The following is an entry in ClinVar:

ClinVar aggregate classification (germline): Uncertain significance (1 of 4 stars; one submission).

Submission:

GeneDx
Classification: Uncertain significance. Last evaluated: 2022-03-26. Review status: criteria provided, single submitter. Criteria: GeneDx Variant Classification Process June 2021. Collection method: clinical testing. Allele origin: germline. Affected: yes.
Comment: Not observed at significant frequency in large population cohorts (gnomAD); In silico analysis supports that this missense variant does not alter protein structure/function; Has not been previously published as pathogenic or benign to our knowledge

NM_133433.4(NIPBL):c.1610C>A (p.Pro537Gln)

Gene: NIPBL (NIPBL cohesin loading factor; plus strand). Cytogenetic location: 5p13.2.
Variant type: single nucleotide variant.
Coding change: c.1610C>A on transcript NM_133433.4 (MANE Select); coding-DNA position 1610, C replaced by A.
Protein change: p.Pro537Gln; replaces proline 537 with glutamine.
Molecular consequence: missense variant.
Genome position (GRCh38, 1-based): chr5:36,984,790, C>A. VCF-style: chr5-36984790-C-A. GRCh37 (hg19) VCF-style: chr5-36984892-C-A.
Other names: c.1610C>A, p.Pro537Gln (NM_015384.5); short protein forms P537Q.
Identifiers: ClinVar variation 1706730 (VCV001706730.2), dbSNP rs2477918378, ClinGen allele CA359493260.